The following is an entry in ClinVar:

NM_181882.3(PRX):c.112G>C (p.Gly38Arg)

Genes: PRX (periaxin; minus strand), LOC130064454 (ATAC-STARR-seq lymphoblastoid active region 14650; plus strand). Cytogenetic location: 19q13.2.
Variant type: single nucleotide variant.
Coding change: c.112G>C on transcript NM_181882.3 (MANE Select); coding-DNA position 112, G replaced by C.
Protein change: p.Gly38Arg; replaces glycine 38 with arginine.
Molecular consequence: missense variant.
Genome position (GRCh38, 1-based): chr19:40,403,778, C>G on the plus strand (G>C on the coding strand, the complement: PRX is on the minus strand). VCF-style: chr19-40403778-C-G. GRCh37 (hg19) VCF-style: chr19-40909685-C-G.
Other names: c.397G>C, p.Gly133Arg (NM_001411127.1); c.112G>C, p.Gly38Arg (NM_020956.2); short protein forms G133R, G38R.
Identifiers: ClinVar variation 2074059 (VCV002074059.4), dbSNP rs1222620804, ClinGen allele CA405901841.

ClinVar aggregate classification (germline): Uncertain significance (1 of 4 stars; one submission).

Conditions:
Charcot-Marie-Tooth disease type 4. Also called: Charcot-Marie-Tooth, Type 4; Charcot-Marie-Tooth disease, type IV. Identifiers: Orphanet 64749, MedGen C4082197, MONDO:0018995.

gnomAD v4.1: 1 of 1,603,352 alleles (0.000062%); highest among the groups gnomAD compares: Non-Finnish European, 0.000085%; no homozygotes.

Submission:

Labcorp Genetics (formerly Invitae), Labcorp
Classification: Uncertain significance for Charcot-Marie-Tooth disease type 4. Last evaluated: 2022-06-28. Review status: criteria provided, single submitter. Criteria: Invitae Variant Classification Sherloc (09022015). Collection method: clinical testing. Allele origin: germline.
Comment: This sequence change replaces glycine, which is neutral and non-polar, with arginine, which is basic and polar, at codon 38 of the PRX protein (p.Gly38Arg). This variant is not present in population databases (gnomAD no frequency). This variant has not been reported in the literature in individuals affected with PRX-related conditions. Algorithms developed to predict the effect of missense changes on protein structure and function are either unavailable or do not agree on the potential impact of this missense change (SIFT: "Tolerated"; PolyPhen-2: "Probably Damaging"; Align-GVGD: "Class C0"). In summary, the available evidence is currently insufficient to determine the role of this variant in disease. Therefore, it has been classified as a Variant of Uncertain Significance.